The following is an entry in ClinVar:

NM_024596.5(MCPH1):c.1729G>A (p.Glu577Lys)

Gene: MCPH1 (microcephalin 1; plus strand). Cytogenetic location: 8p23.1.
Variant type: single nucleotide variant.
Coding change: c.1729G>A on transcript NM_024596.5 (MANE Select); coding-DNA position 1729, G replaced by A.
Protein change: p.Glu577Lys; replaces glutamic acid 577 with lysine.
Molecular consequence: missense variant. On other transcripts: non-coding transcript variant (1).
Genome position (GRCh38, 1-based): chr8:6,445,451, G>A. VCF-style: chr8-6445451-G-A. GRCh37 (hg19) VCF-style: chr8-6302972-G-A.
Other names: c.1729G>A, p.Glu577Lys (NM_001172574.2, NM_001322042.2, NM_001363979.1 and 1 more transcripts); c.1585G>A, p.Glu529Lys (NM_001172575.2); c.1723G>A, p.Glu575Lys (NM_001322043.2); c.1627G>A, p.Glu543Lys (NM_001322045.2); short protein forms E577K, E543K, E529K, E575K.
Identifiers: ClinVar variation 363527 (VCV000363527.7), dbSNP rs561690042, ClinGen allele CA4610630.

ClinVar aggregate classification (germline): Uncertain significance. Review status: criteria provided, multiple submitters, no conflicts (2 of 4 stars). 2 submissions from 2 submitters: Uncertain significance (2). Last evaluated 2020-12-31.

Conditions:
Inborn genetic diseases. Identifiers: MedGen C0950123, MeSH D030342.
Microcephaly 1, primary, autosomal recessive (MCPH1). Also called: PREMATURE CHROMOSOME CONDENSATION SYNDROME; PCC SYNDROME; PREMATURE CHROMOSOME CONDENSATION WITH MICROCEPHALY AND MENTAL RETARDATION. Identifiers: Orphanet 2512, MedGen C1855081, MONDO:0009617, OMIM 251200.

Allele frequency attached by ClinVar (database versions not stated): 1000 Genomes Project below 0.00001; gnomAD 0.00002 and 0.00003; TOPMed 0.00002; ExAC 0.00003; gnomAD exomes 0.00008.
gnomAD v4.1: 93 of 1,614,106 alleles (0.0058%); highest among the groups gnomAD compares: East Asian, 0.049%; no homozygotes.

Submissions (2):

Ambry Genetics
Classification: Uncertain significance for Inborn genetic diseases. Last evaluated: 2020-12-31. Review status: criteria provided, single submitter. Criteria: Ambry Variant Classification Scheme 2023. Collection method: clinical testing. Allele origin: germline.
Comment: The c.1729G>A (p.E577K) alteration is located in exon 8 (coding exon 8) of the MCPH1 gene. This alteration results from a G to A substitution at nucleotide position 1729, causing the glutamic acid (E) at amino acid position 577 to be replaced by a lysine (K). The p.E577K alteration is predicted to be tolerated by in silico analysis. Based on insufficient or conflicting evidence, the clinical significance of this alteration remains unclear.

Illumina Laboratory Services, Illumina
Classification: Uncertain significance for Microcephaly 1, primary, autosomal recessive. Last evaluated: 2018-01-12. Review status: criteria provided, single submitter. Criteria: ICSL Variant Classification Criteria 13 December 2019. Collection method: clinical testing. Allele origin: germline.